The following is an entry in ClinVar:

NM_007294.4(BRCA1):c.5407-5T>C

Gene: BRCA1 (BRCA1 DNA repair associated; minus strand). Cytogenetic location: 17q21.31.
Variant type: single nucleotide variant.
Coding change: c.5407-5T>C on transcript NM_007294.4 (MANE Select); 5 bases into the intron before coding-DNA position 5407, T replaced by C.
Molecular consequence: intron variant.
Genome position (GRCh38, 1-based): chr17:43,047,708, A>G on the plus strand (T>C on the coding strand, the complement: BRCA1 is on the minus strand). VCF-style: chr17-43047708-A-G. GRCh37 (hg19) VCF-style: chr17-41199725-A-G.
Other names: c.1954-5T>C (NM_001408458.1, NM_001408461.1, NM_001408464.1 and 7 more transcripts); c.4516-5T>C (NM_001407967.1); c.5026-5T>C (NM_001407959.1); c.5140-5T>C (NM_001407931.1, NM_001407932.1, NM_001407928.1 and 4 more transcripts); c.5263-5T>C (NM_001407747.1, NM_001407745.1, NM_001407737.1 and 18 more transcripts); c.5023-5T>C (NM_001407962.1, NM_001407960.1); c.1594-5T>C (NM_001408512.1); c.1717-5T>C (NM_001408510.1); and 83 more.
Identifiers: ClinVar variation 865737 (VCV000865737.3), dbSNP rs2050996749, ClinGen allele CA916080779.

Conditions:
Breast-ovarian cancer, familial, susceptibility to, 1 (BROVCA1). Also called: BRCA1 Hereditary Breast and Ovarian Cancer; OVARIAN CANCER, SUSCEPTIBILITY TO. Identifiers: Orphanet 145, MedGen C2676676, MONDO:0011450, OMIM 604370. Disease mechanism: loss of function.

Submission:

Brotman Baty Institute, University of Washington
No classification provided (evidence only). Condition: Breast-ovarian cancer, familial 1. Review status: no classification provided. Collection method: in vitro. Allele origin: not applicable. Functional consequence: functionally_normal.
ClinVar note: "not provided" was previously submitted as the classification for the variant. However, the classification appeared to be based only on an observation of functional data so it was converted to no classification on 2025-07-30.